The following is an entry in ClinVar:

NM_177438.3(DICER1):c.724G>T (p.Val242Phe)

Gene: DICER1 (dicer 1, ribonuclease III; minus strand). Cytogenetic location: 14q32.13.
Variant type: single nucleotide variant.
Coding change: c.724G>T on transcript NM_177438.3 (MANE Select); coding-DNA position 724, G replaced by T.
Protein change: p.Val242Phe; replaces valine 242 with phenylalanine.
Molecular consequence: missense variant. On other transcripts: 5 prime UTR variant (1), non-coding transcript variant (6).
Genome position (GRCh38, 1-based): chr14:95,129,482, C>A on the plus strand (G>T on the coding strand, the complement: DICER1 is on the minus strand). VCF-style: chr14-95129482-C-A. GRCh37 (hg19) VCF-style: chr14-95595819-C-A.
Other names: c.724G>T, p.Val242Phe (NM_001195573.1, NM_001271282.3, NM_001291628.2 and 15 more transcripts); c.442G>T, p.Val148Phe (NM_001395686.1); c.319G>T, p.Val107Phe (NM_001395687.1, NM_001395688.1, NM_001395689.1 and 3 more transcripts); c.157G>T, p.Val53Phe (NM_001395691.1); c.-845G>T (NM_001395697.1); short protein forms V107F, V148F, V242F, V53F.
Identifiers: ClinVar variation 3229448 (VCV003229448.1), dbSNP rs1290563406, ClinGen allele CA390887978.

ClinVar aggregate classification (germline): Uncertain significance (1 of 4 stars; one submission).

Conditions:
Hereditary cancer-predisposing syndrome. Also called: Neoplastic Syndromes, Hereditary; Tumor predisposition; Hereditary neoplastic syndrome; Hereditary Cancer Syndrome. Identifiers: Orphanet 140162, MedGen C0027672, MeSH D009386, MONDO:0015356.

Submission:

Ambry Genetics
Classification: Uncertain significance for Hereditary cancer-predisposing syndrome. Last evaluated: 2023-11-08. Review status: criteria provided, single submitter. Criteria: Ambry Variant Classification Scheme 2023. Collection method: clinical testing. Allele origin: germline.
Comment: The p.V242F variant (also known as c.724G>T), located in coding exon 5 of the DICER1 gene, results from a G to T substitution at nucleotide position 724. The valine at codon 242 is replaced by phenylalanine, an amino acid with highly similar properties. This amino acid position is conserved. In addition, the in silico prediction for this alteration is inconclusive. Since supporting evidence is limited at this time, the clinical significance of this alteration remains unclear.